The following is an entry in ClinVar:

ClinVar aggregate classification (germline): Conflicting classifications of pathogenicity. Review status: criteria provided, conflicting classifications (1 of 4 stars). 6 submissions from 6 submitters: Uncertain significance (5); Likely benign (1). Last evaluated 2025-11-17.

Conditions:
Dilated cardiomyopathy 1AA (CMD1AA). Also called: Cardiomyopathy, dilated, 1AA, with or without LVNC; CARDIOMYOPATHY, DILATED, 1AA, WITH OR WITHOUT LEFT VENTRICULAR NONCOMPACTION; CARDIOMYOPATHY, FAMILIAL HYPERTROPHIC, 23, WITH OR WITHOUT LEFT VENTRICULAR NONCOMPACTION. Identifiers: Orphanet 154, MedGen C2677338, MONDO:0012808, OMIM 612158.
Myopathy, distal, 6, adult-onset, autosomal dominant. Identifiers: MedGen C5203349, MONDO:0032853, OMIM 618655.
Myopathy, congenital, with structured cores and z-line abnormalities. Also called: CONGENITAL MYOPATHY 8; MULTIPLE STRUCTURED CORE DISEASE. Identifiers: MedGen C5231445, MONDO:0032852, OMIM 618654.
Cardiovascular phenotype. Identifiers: MedGen CN230736.
Primary familial hypertrophic cardiomyopathy (HCM). Identifiers: Orphanet 99739, MedGen C0949658, MeSH D024741, MONDO:0024573. Inheritance: Various modes of inheritance.

Allele frequency attached by ClinVar (database versions not stated): gnomAD exomes 0.00001; TOPMed 0.00001; gnomAD 0.00003 and 0.00004.
gnomAD v4.1: 25 of 1,614,094 alleles (0.0015%); highest among the groups gnomAD compares: Non-Finnish European, 0.0019%; no homozygotes.

Submissions (6):

Labcorp Genetics (formerly Invitae), Labcorp
Classification: Likely benign for Primary familial hypertrophic cardiomyopathy; Dilated cardiomyopathy 1AA. Last evaluated: 2025-11-17. Review status: criteria provided, single submitter. Criteria: Invitae Variant Classification Sherloc (09022015). Collection method: clinical testing. Allele origin: germline.

Mayo Clinic Laboratories, Mayo Clinic
Classification: Uncertain significance. Last evaluated: 2025-02-02. Review status: criteria provided, single submitter. Criteria: ACMG Guidelines, 2015. Collection method: clinical testing. Allele origin: germline. Observed: 1 variant allele.
Comment: BP4

Blueprint Genetics
Classification: Uncertain significance. Last evaluated: 2024-11-21. Review status: criteria provided, single submitter. Criteria: ACMG Guidelines, 2015. Collection method: clinical testing. Allele origin: germline.

Ambry Genetics
Classification: Uncertain significance for Cardiovascular phenotype. Last evaluated: 2024-09-22. Review status: criteria provided, single submitter. Criteria: Ambry Variant Classification Scheme 2023. Collection method: clinical testing. Allele origin: germline.
Comment: The p.H633Q variant (also known as c.1899T>G), located in coding exon 16 of the ACTN2 gene, results from a T to G substitution at nucleotide position 1899. The histidine at codon 633 is replaced by glutamine, an amino acid with highly similar properties. This amino acid position is conserved. In addition, this alteration is predicted to be tolerated by in silico analysis. Since supporting evidence is limited at this time, the clinical significance of this alteration remains unclear.

Fulgent Genetics
Classification: Uncertain significance for Dilated cardiomyopathy 1AA; Myopathy, congenital, with structured cores and z-line abnormalities; Myopathy, distal, 6, adult-onset, autosomal dominant. Last evaluated: 2021-08-02. Review status: criteria provided, single submitter. Criteria: ACMG Guidelines, 2015. Collection method: clinical testing. Allele origin: unknown.

Laboratory for Molecular Medicine, Mass General Brigham Personalized Medicine
Classification: Uncertain significance. Last evaluated: 2014-06-18. Review status: criteria provided, single submitter. Criteria: LMM Criteria. Collection method: clinical testing. Allele origin: germline. Observed: 1 variant allele.
Comment: Variant classified as Uncertain Significance - Favor Benign. The His633Gln varia nt in ACTN2 has not been previously reported in individuals with cardiomyopathy or in large population studies. Computational prediction tools and conservation analysis suggest that the His633Gln variant may not impact the protein, and seve ral reptile and fish species carry a glutamine (Gln) at this position suggesting that this change may be tolerated. However, this information is not predictive enough to rule out pathogenicity. In summary, while the clinical significance of the His633Gln variant is uncertain, the presence of the variant amino acid in o ther species suggests that it is more likely to be benign.

NM_001103.4(ACTN2):c.1899T>G (p.His633Gln)

Gene: ACTN2 (actinin alpha 2; plus strand). Cytogenetic location: 1q43.
Variant type: single nucleotide variant.
Coding change: c.1899T>G on transcript NM_001103.4 (MANE Select); coding-DNA position 1899, T replaced by G.
Protein change: p.His633Gln; replaces histidine 633 with glutamine.
Molecular consequence: missense variant.
Genome position (GRCh38, 1-based): chr1:236,754,006, T>G. VCF-style: chr1-236754006-T-G. GRCh37 (hg19) VCF-style: chr1-236917306-T-G.
Other names: c.1899T>G, p.His633Gln (NM_001278343.2); c.1275T>G, p.His425Gln (NM_001278344.2); c.1899T>G (NM_001103.3); short protein forms H633Q, H425Q.
Identifiers: ClinVar variation 179767 (VCV000179767.16), dbSNP rs727505112, ClinGen allele CA185096.
Genomic context (GRCh38, chr1:236,754,006, plus strand): 5'-GGTGAAGCAACTCGTGCCCATCCGCGATCAATCCCTGCAGGAGGAGCTGGCTCGCCAGCA[T>G]GCTAACGAGCGTCTGAGGCGCCAGTTTGCTGCCCAAGCCAATGCCATTGGGCCCTGGATC-3'
Protein context (NP_001094.1, residues 623-643): QSLQEELARQ[His633Gln]ANERLRRQFA